The following is an entry in ClinVar:

NM_001378452.1(ITPR1):c.2096T>A (p.Leu699Gln)

Gene: ITPR1 (inositol 1,4,5-trisphosphate receptor type 1; plus strand). Cytogenetic location: 3p26.1.
Variant type: single nucleotide variant.
Coding change: c.2096T>A on transcript NM_001378452.1 (MANE Select); coding-DNA position 2096, T replaced by A.
Protein change: p.Leu699Gln; replaces leucine 699 with glutamine.
Molecular consequence: missense variant.
Genome position (GRCh38, 1-based): chr3:4,670,818, T>A. VCF-style: chr3-4670818-T-A. GRCh37 (hg19) VCF-style: chr3-4712502-T-A.
Other names: c.2096T>A, p.Leu699Gln (NM_001099952.4); c.2051T>A, p.Leu684Gln (NM_001168272.2, NM_002222.7); short protein forms L684Q, L699Q.
Identifiers: ClinVar variation 1695889 (VCV001695889.2), dbSNP rs2125208733, ClinGen allele CA351645100.

ClinVar aggregate classification (germline): Uncertain significance (1 of 4 stars; one submission).

Submission:

GeneDx
Classification: Uncertain significance. Last evaluated: 2022-01-10. Review status: criteria provided, single submitter. Criteria: GeneDx Variant Classification Process June 2021. Collection method: clinical testing. Allele origin: germline. Affected: yes.
Comment: Not observed at significant frequency in large population cohorts (gnomAD); In silico analysis supports that this missense variant has a deleterious effect on protein structure/function; Has not been previously published as pathogenic or benign to our knowledge